The following is an entry in ClinVar:

NM_022464.5(SIL1):c.646-2A>G

Gene: SIL1 (SIL1 nucleotide exchange factor; minus strand). Cytogenetic location: 5q31.2.
Variant type: single nucleotide variant.
Coding change: c.646-2A>G on transcript NM_022464.5 (MANE Select); the canonical splice acceptor site of the intron before coding-DNA position 646, A replaced by G.
Molecular consequence: splice acceptor variant.
Genome position (GRCh38, 1-based): chr5:139,021,294, T>C on the plus strand (A>G on the coding strand, the complement: SIL1 is on the minus strand). VCF-style: chr5-139021294-T-C. GRCh37 (hg19) VCF-style: chr5-138356983-T-C.
Other names: c.646-2A>G (NM_001037633.2).
Identifiers: ClinVar variation 1711611 (VCV001711611.30), dbSNP rs2546340528, ClinGen allele CA361134258.

ClinVar aggregate classification (germline): Pathogenic (1 of 4 stars; one submission).

Submission:

CeGaT Center for Human Genetics Tuebingen
Classification: Pathogenic. Last evaluated: 2022-08-01. Review status: criteria provided, single submitter. Criteria: CeGaT Center For Human Genetics Tuebingen Variant Classification Criteria Version 2. Collection method: clinical testing. Allele origin: germline. Affected: yes. Observed: 1 variant allele.
Comment: SIL1: PVS1, PM2, PM3